The following is an entry in ClinVar:

NM_006514.4(SCN10A):c.1713G>A (p.Pro571=)

Gene: SCN10A (sodium voltage-gated channel alpha subunit 10; minus strand). Cytogenetic location: 3p22.2.
Variant type: single nucleotide variant.
Coding change: c.1713G>A on transcript NM_006514.4 (MANE Select); coding-DNA position 1713, G replaced by A.
Protein change: p.Pro571=; no amino-acid change (proline 571 retained).
Molecular consequence: synonymous variant. On other transcripts: intron variant (1).
Genome position (GRCh38, 1-based): chr3:38,752,261, C>T on the plus strand (G>A on the coding strand, the complement: SCN10A is on the minus strand). VCF-style: chr3-38752261-C-T. GRCh37 (hg19) VCF-style: chr3-38793752-C-T.
Other names: p.Pro571=; c.1713G>A, p.Pro571= (NM_001293306.2); c.1462-2077G>A (NM_001293307.2).
Identifiers: ClinVar variation 414626 (VCV000414626.21), dbSNP rs148905110, ClinGen allele CA2320781.

ClinVar aggregate classification (germline): Benign/Likely benign. Review status: criteria provided, multiple submitters, no conflicts (2 of 4 stars). 7 submissions from 7 submitters: Benign (1); Likely benign (5). 1 of the submissions does not count toward it. Last evaluated 2026-02-03.

Conditions:
SCN10A-related disorder. Also called: SCN10A-related condition.
Cardiovascular phenotype. Identifiers: MedGen CN230736.
Brugada syndrome. Also called: Sudden unexplained nocturnal death syndrome; Sudden unexpected nocturnal death syndrome; Sudden Unexplained Death Syndrome; Sudden Unexplained Nocturnal Death Syndrome (SUNDS). Identifiers: Orphanet 130, MedGen C1142166, MONDO:0015263.

Allele frequency attached by ClinVar (database versions not stated): 1000 Genomes Project 30x 0.00016; 1000 Genomes Project 0.00020; gnomAD exomes 0.00024; gnomAD 0.00028; ExAC 0.00030; TOPMed 0.00036; ESP Exome Variant Server 0.00054.
gnomAD v4.1: 878 of 1,572,368 alleles (0.056%); highest among the groups gnomAD compares: Non-Finnish European, 0.071%; no homozygotes.

Submissions (7):

Labcorp Genetics (formerly Invitae), Labcorp
Classification: Likely benign for Brugada syndrome. Last evaluated: 2026-02-03. Review status: criteria provided, single submitter. Criteria: Invitae Variant Classification Sherloc (09022015). Collection method: clinical testing. Allele origin: germline.

Mayo Clinic Laboratories, Mayo Clinic
Classification: Likely benign. Last evaluated: 2025-03-31. Review status: criteria provided, single submitter. Criteria: ACMG Guidelines, 2015. Collection method: clinical testing. Allele origin: germline. Observed: 2 variant alleles.
Comment: BP4, BP7

Blueprint Genetics
Classification: Likely benign. Last evaluated: 2024-11-18. Review status: criteria provided, single submitter. Criteria: ACMG Guidelines, 2015. Collection method: clinical testing. Allele origin: germline.

Women's Health and Genetics/Laboratory Corporation of America, LabCorp
Classification: Benign. Last evaluated: 2024-09-29. Review status: criteria provided, single submitter. Criteria: LabCorp Variant Classification Summary - May 2015. Collection method: clinical testing. Allele origin: germline.

Ambry Genetics
Classification: Likely benign for Cardiovascular phenotype. Last evaluated: 2018-12-28. Review status: criteria provided, single submitter. Criteria: Ambry Variant Classification Scheme 2023. Collection method: clinical testing. Allele origin: germline.

GeneDx
Classification: Likely benign. Last evaluated: 2018-08-15. Review status: criteria provided, single submitter. Criteria: GeneDx Variant Classification Process June 2021. Collection method: clinical testing. Allele origin: germline. Affected: yes.

PreventionGenetics, part of Exact Sciences
Classification: Likely benign for SCN10A-related condition. Last evaluated: 2020-05-13. Review status: no assertion criteria provided. Collection method: clinical testing. Allele origin: germline. Not counted in ClinVar's aggregate classification.
Comment: This variant is classified as likely benign based on ACMG/AMP sequence variant interpretation guidelines (Richards et al. 2015 PMID: 25741868, with internal and published modifications).